The following is an entry in ClinVar:

ClinVar aggregate classification (germline): Uncertain significance (1 of 4 stars; one submission).

Submission:

GeneDx
Classification: Uncertain significance. Last evaluated: 2025-03-06. Review status: criteria provided, single submitter. Criteria: GeneDx Variant Classification Process June 2021. Collection method: clinical testing. Allele origin: germline. Affected: yes.
Comment: Not observed at significant frequency in large population cohorts (gnomAD); In silico analysis indicates that this missense variant does not alter protein structure/function; Has not been previously published as pathogenic or benign to our knowledge

NM_017672.6(TRPM7):c.2050A>G (p.Asn684Asp)

Gene: TRPM7 (transient receptor potential cation channel subfamily M member 7; minus strand). Cytogenetic location: 15q21.2.
Variant type: single nucleotide variant.
Coding change: c.2050A>G on transcript NM_017672.6 (MANE Select); coding-DNA position 2050, A replaced by G.
Protein change: p.Asn684Asp; replaces asparagine 684 with aspartic acid.
Molecular consequence: missense variant. On other transcripts: non-coding transcript variant (3).
Genome position (GRCh38, 1-based): chr15:50,612,550, T>C on the plus strand (A>G on the coding strand, the complement: TRPM7 is on the minus strand). VCF-style: chr15-50612550-T-C. GRCh37 (hg19) VCF-style: chr15-50904747-T-C.
Other names: c.2050A>G, p.Asn684Asp (NM_001301212.2); short protein forms N684D.
Identifiers: ClinVar variation 4082935 (VCV004082935.1).